The following is an entry in ClinVar:

ClinVar aggregate classification (germline): Uncertain significance. Review status: criteria provided, multiple submitters, no conflicts (2 of 4 stars). 3 submissions from 3 submitters: Uncertain significance (3). Last evaluated 2025-08-20.

Conditions:
Charcot-Marie-Tooth disease. Also called: Charcot-Marie-Tooth Neuropathy; Charcot-Marie-Tooth Hereditary Neuropathy. Identifiers: Orphanet 166, MedGen C0007959, MONDO:0015626.
TRPV4-related disorder. Also called: TRPV4-related disorders; TRPV4-related condition.
Charcot-Marie-Tooth disease axonal type 2C (HMSN2C). Also called: CHARCOT-MARIE-TOOTH DISEASE, AXONAL, AUTOSOMAL DOMINANT, TYPE 2C; Charcot-Marie-Tooth Neuropathy Type 2C; Charcot-Marie-Tooth Disease Type 2, TRPV4-Related (CMT2C). Identifiers: Orphanet 99937, MedGen C1853710, MONDO:0011633, OMIM 606071.

Allele frequency attached by ClinVar (database versions not stated): gnomAD exomes 0.00001; TOPMed 0.00001.
gnomAD v4.1: 16 of 1,581,116 alleles (0.001%); highest among the groups gnomAD compares: East Asian, 0.021%; no homozygotes.

Submissions (3):

Labcorp Genetics (formerly Invitae), Labcorp
Classification: Uncertain significance for Charcot-Marie-Tooth disease axonal type 2C. Last evaluated: 2025-08-20. Review status: criteria provided, single submitter. Criteria: Invitae Variant Classification Sherloc (09022015). Collection method: clinical testing. Allele origin: germline.
Comment: This sequence change replaces glutamic acid, which is acidic and polar, with glycine, which is neutral and non-polar, at codon 17 of the TRPV4 protein (p.Glu17Gly). The frequency data for this variant in the population databases is considered unreliable, as metrics indicate poor data quality at this position in the gnomAD database. This missense change has been observed in individual(s) with clinical features of Charcot-Marie-Tooth disease (PMID: 32376792). ClinVar contains an entry for this variant (Variation ID: 639307). Invitae Evidence Modeling of protein sequence and biophysical properties (such as structural, functional, and spatial information, amino acid conservation, physicochemical variation, residue mobility, and thermodynamic stability) indicates that this missense variant is not expected to disrupt TRPV4 protein function with a negative predictive value of 95%. In summary, the available evidence is currently insufficient to determine the role of this variant in disease. Therefore, it has been classified as a Variant of Uncertain Significance.

PreventionGenetics, part of Exact Sciences
Classification: Uncertain significance for TRPV4-related condition. Last evaluated: 2025-03-20. Review status: criteria provided, single submitter. Criteria: ACMG Guidelines, 2015. Collection method: clinical testing. Allele origin: germline.
Comment: The TRPV4 c.50A>G variant is predicted to result in the amino acid substitution p.Glu17Gly. This variant was reported as a variant of uncertain significance in two individuals with from a large cohort study of Charcot-Marie-Tooth disease (Supp. Table 2, Volodarsky et al. 2021. PubMed ID: 32376792). This variant is reported in 0.0071% of alleles in individuals of East Asian descent in gnomAD. At this time, the clinical significance of this variant is uncertain due to the absence of conclusive functional and genetic evidence.

Molecular Genetics Laboratory, London Health Sciences Centre
Classification: Uncertain significance for Charcot-Marie-Tooth disease. Review status: criteria provided, single submitter. Criteria: ACMG Guidelines, 2015. Collection method: clinical testing. Allele origin: germline. Affected: yes.

Literature cited by the submitters: PubMed 32376792 (cited by Labcorp Genetics (formerly Invitae), Labcorp).

NM_021625.5(TRPV4):c.50A>G (p.Glu17Gly)

Gene: TRPV4 (transient receptor potential cation channel subfamily V member 4; minus strand). Cytogenetic location: 12q24.11.
Variant type: single nucleotide variant.
Coding change: c.50A>G on transcript NM_021625.5 (MANE Select); coding-DNA position 50, A replaced by G.
Protein change: p.Glu17Gly; replaces glutamic acid 17 with glycine.
Molecular consequence: missense variant.
Genome position (GRCh38, 1-based): chr12:109,814,747, T>C on the plus strand (A>G on the coding strand, the complement: TRPV4 is on the minus strand). VCF-style: chr12-109814747-T-C. GRCh37 (hg19) VCF-style: chr12-110252552-T-C.
Other names: c.50A>G, p.Glu17Gly (NM_001177428.2, NM_001177431.2, NM_001177433.2 and 1 more transcripts); short protein forms E17G.
Identifiers: ClinVar variation 639307 (VCV000639307.7), dbSNP rs989621170, ClinGen allele CA243479104.
Genomic context (GRCh38, chr12:109,814,747, plus strand): 5'-GCCAGGGAGGAGAGAGGAAAAGCCTCCCCACCTGGGGTGCCACTCTCATCCCCGGGGAGC[T>C]CAGCCACCTCCCCGGGCCCCGCGCGGGGGCCTTCGCTGGAATCCGCCATGCCTGCCCCAG-3'
Protein context (NP_067638.3, residues 7-27): GPRAGPGEVA[Glu17Gly]LPGDESGTPG